The following is an entry in ClinVar:

NM_005732.4(RAD50):c.1153C>T (p.Arg385Cys)

Gene: RAD50 (RAD50 double strand break repair protein; plus strand). Cytogenetic location: 5q31.1.
Variant type: single nucleotide variant.
Coding change: c.1153C>T on transcript NM_005732.4 (MANE Select); coding-DNA position 1153, C replaced by T.
Protein change: p.Arg385Cys; replaces arginine 385 with cysteine.
Molecular consequence: missense variant.
Genome position (GRCh38, 1-based): chr5:132,588,788, C>T. VCF-style: chr5-132588788-C-T. GRCh37 (hg19) VCF-style: chr5-131924480-C-T.
Other names: short protein forms R385C.
Identifiers: ClinVar variation 231300 (VCV000231300.11), dbSNP rs139372231, ClinGen allele CA3405118.
Genomic context (GRCh38, chr5:132,588,788, plus strand): 5'-CGAGCTAGAGATTCATTAATTCAGTCTTTGGCAACACAGCTAGAATTGGATGGCTTTGAG[C>T]GTGGACCATTCAGTGAAAGACAGATTAAAAATTTTCACAAACTTGTGAGAGAGAGACAAG-3'
Protein context (NP_005723.2, residues 375-395): ATQLELDGFE[Arg385Cys]GPFSERQIKN

ClinVar aggregate classification (germline): Uncertain significance. Review status: criteria provided, multiple submitters, no conflicts (2 of 4 stars). 3 submissions from 3 submitters: Uncertain significance (3). Last evaluated 2025-02-11.

Conditions:
Hereditary cancer-predisposing syndrome. Also called: Neoplastic Syndromes, Hereditary; Tumor predisposition; Hereditary Cancer Syndrome; Hereditary neoplastic syndrome. Identifiers: Orphanet 140162, MedGen C0027672, MeSH D009386, MONDO:0015356.

Allele frequency attached by ClinVar (database versions not stated): gnomAD exomes 0.00001 and 0.00002; ExAC 0.00002; TOPMed 0.00002; gnomAD 0.00003; ESP Exome Variant Server 0.00008.
gnomAD v4.1: 14 of 1,613,586 alleles (0.00087%); highest among the groups gnomAD compares: African/African-American, 0.011%; no homozygotes.

Submissions (3):

Quest Diagnostics Nichols Institute San Juan Capistrano
Classification: Uncertain significance. Last evaluated: 2025-02-11. Review status: criteria provided, single submitter. Criteria: Quest Diagnostics criteria. Collection method: clinical testing. Allele origin: unknown.
Comment: The frequency of this variant in the general population (Genome Aggregation Database) is uninformative in the assessment of its pathogenicity. Analysis of this variant using bioinformatics tools for the prediction of the effect of amino acid changes on protein structure and function yielded predictions that this variant is damaging. Based on the available information, we are unable to determine the clinical significance of this variant.

Labcorp Genetics (formerly Invitae), Labcorp
Classification: Uncertain significance for Hereditary cancer-predisposing syndrome. Last evaluated: 2023-11-18. Review status: criteria provided, single submitter. Criteria: Invitae Variant Classification Sherloc (09022015). Collection method: clinical testing. Allele origin: germline.
Comment: This sequence change replaces arginine, which is basic and polar, with cysteine, which is neutral and slightly polar, at codon 385 of the RAD50 protein (p.Arg385Cys). This variant is present in population databases (rs139372231, gnomAD 0.008%). This variant has not been reported in the literature in individuals affected with RAD50-related conditions. ClinVar contains an entry for this variant (Variation ID: 231300). An algorithm developed to predict the effect of missense changes on protein structure and function (PolyPhen-2) suggests that this variant¬†is likely to be tolerated. In summary, the available evidence is currently insufficient to determine the role of this variant in disease. Therefore, it has been classified as a Variant of Uncertain Significance.

Ambry Genetics
Classification: Uncertain significance for Hereditary cancer-predisposing syndrome. Last evaluated: 2021-02-03. Review status: criteria provided, single submitter. Criteria: Ambry Variant Classification Scheme 2023. Collection method: clinical testing. Allele origin: germline.
Comment: The p.R385C variant (also known as c.1153C>T), located in coding exon 8 of the RAD50 gene, results from a C to T substitution at nucleotide position 1153. The arginine at codon 385 is replaced by cysteine, an amino acid with highly dissimilar properties. This amino acid position is not well conserved in available vertebrate species. In addition, this alteration is predicted to be tolerated by in silico analysis. Since supporting evidence is limited at this time, the clinical significance of this alteration remains unclear.

Literature cited by the submitters: PubMed 34426522 (cited by Quest Diagnostics Nichols Institute San Juan Capistrano); PubMed 28241424 (cited by Quest Diagnostics Nichols Institute San Juan Capistrano and Ambry Genetics).